The following is an entry in ClinVar:

NC_000022.11:g.42631838_42638363delins[GTAATCCCAGCAA;42592521_42635366inv;AAGAGTGGGTGGATCACCTGAGGTCAGGAGTGCTAAAC]

Gene: CYB5R3 (cytochrome b5 reductase 3; minus strand). Cytogenetic location: 22q13.2.
Variant type: Indel.
Identifiers: ClinVar variation 3906148 (VCV003906148.1).

ClinVar aggregate classification (germline): Likely pathogenic (0 of 4 stars; one submission).

Conditions:
Deficiency of cytochrome-b5 reductase. Also called: METHEMOGLOBINEMIA, CONGENITAL, AUTOSOMAL RECESSIVE; NADH-DEPENDENT METHEMOGLOBIN REDUCTASE DEFICIENCY. Identifiers: Orphanet 621, MedGen C0268193, MONDO:0009606, OMIM 250800.

Submission:

Department of Pediatrics, Division of Medical Genetics, Faculty of Medicine Ramathibodi Hospital, Mahidol University
Classification: Likely pathogenic for Deficiency of cytochrome-b5 reductase. Last evaluated: 2025-06-12. Review status: no assertion criteria provided. Collection method: research. Allele origin: inherited. Inheritance: Autosomal recessive inheritance. Affected: yes. Observed: 1 homozygote.
Comment: A homozygous 45.8 Kb nucleotide inversion; g.42631838_42638363delins[GTAATCCCAGCAA;42592521_42635366inv;AAGAGTGGGTGGATCACCTGAGGTCAGGAGTGCTAAAC] were identified. In silico analysis indicates that this variant does alter protein structure/function. This variant was not reported in population-based cohorts in the Genome Aggregation Database (gnomAD). For these reasons, this variant has been classified as Likely-pathogenic.